The following is an entry in ClinVar:

NM_000092.5(COL4A4):c.930+1G>T

Gene: COL4A4 (collagen type IV alpha 4 chain; minus strand). Cytogenetic location: 2q36.3.
Variant type: single nucleotide variant.
Coding change: c.930+1G>T on transcript NM_000092.5 (MANE Select); the canonical splice donor site of the intron after coding-DNA position 930, G replaced by T.
Molecular consequence: splice donor variant.
Genome position (GRCh38, 1-based): chr2:227,102,788, C>A on the plus strand (G>T on the coding strand, the complement: COL4A4 is on the minus strand). VCF-style: chr2-227102788-C-A. GRCh37 (hg19) VCF-style: chr2-227967504-C-A.
Other names: c.930+1G>T (NM_000092.4).
Identifiers: ClinVar variation 3066371 (VCV003066371.2), dbSNP rs2150787516, ClinGen allele CA350856975.

ClinVar aggregate classification (germline): Pathogenic/Likely pathogenic. Review status: criteria provided, multiple submitters, no conflicts (2 of 4 stars). 2 submissions from 2 submitters: Pathogenic (1); Likely pathogenic (1). Last evaluated 2024-10-22.

Conditions:
Autosomal recessive Alport syndrome (ATS2). Also called: ALPORT SYNDROME 2, AUTOSOMAL RECESSIVE; COL4A4 Alport Syndrome and Thin Basement Membrane Nephropathy; COL4A3-Related Nephropathy; Alport syndrome type 2. Identifiers: Orphanet 63, Orphanet 88919, MedGen C4746745, MONDO:0008762, OMIM 203780.
Alport syndrome. Also called: Hemorrhagic familial nephritis; Hemorrhagic hereditary nephritis; Congenital hereditary hematuria. Identifiers: Orphanet 63, MedGen C1567741, MONDO:0018965.

Submissions (2):

Natera, Inc.
Classification: Likely pathogenic for Alport syndrome. Last evaluated: 2024-10-22. Review status: criteria provided, single submitter. Criteria: Natera Variant Classification Schema (03/2026). Collection method: clinical testing. Allele origin: germline.
Comment: The c.930+1G>T variant in COL4A4 is a canonical splice donor site variant predicted to affect pre-mRNA splicing, which may result in an abnormal transcript and altered protein product. This variant is expected to result in nonsense mediated decay, truncation, or a dysfunctional protein product. This variant is rare in the general population with a frequency below the threshold expected for the associated phenotype(s). Given the available evidence, this variant is classified as Likely Pathogenic.

MVZ Medizinische Genetik Mainz
Classification: Pathogenic for Autosomal recessive Alport syndrome. Last evaluated: 2022-01-07. Review status: criteria provided, single submitter. Criteria: UK Practice Guidelines For Variant Classification V4 01 2020. Collection method: clinical testing. Allele origin: germline. Inheritance: Autosomal dominant inheritance. Affected: yes. Observed: 1 variant allele.
Comment: ACMG Criteria: PVS1, PM2_SUP, PP4 (ACMG Version 3)